The following is an entry in ClinVar:

ClinVar aggregate classification (germline): Pathogenic/Likely pathogenic. Review status: criteria provided, multiple submitters, no conflicts (2 of 4 stars). 2 submissions from 2 submitters: Pathogenic (1); Likely pathogenic (1). Last evaluated 2021-06-25.

gnomAD v4.1: 2 of 1,610,490 alleles (0.00012%); highest among the groups gnomAD compares: South Asian, 0.0011%; no homozygotes.

Submissions (2):

Labcorp Genetics (formerly Invitae), Labcorp
Classification: Pathogenic. Last evaluated: 2021-06-25. Review status: criteria provided, single submitter. Criteria: Invitae Variant Classification Sherloc (09022015). Collection method: clinical testing. Allele origin: germline.
Comment: This sequence change creates a premature translational stop signal (p.Arg2196*) in the HERC1 gene. It is expected to result in an absent or disrupted protein product. Loss-of-function variants in HERC1 are known to be pathogenic (PMID: 26138117, 26153217, 27108999). This variant is present in population databases (rs774206954, ExAC 0.007%). This variant has not been reported in the literature in individuals affected with HERC1-related conditions. ClinVar contains an entry for this variant (Variation ID: 992326). For these reasons, this variant has been classified as Pathogenic.

Greenwood Genetic Center Diagnostic Laboratories, Greenwood Genetic Center
Classification: Likely pathogenic. Last evaluated: 2020-08-24. Review status: criteria provided, single submitter. Criteria: ACMG Guidelines, 2015. Collection method: clinical testing. Allele origin: germline. Affected: yes.

Literature cited by the submitters: PubMed 26138117 (cited by Labcorp Genetics (formerly Invitae), Labcorp); PubMed 26153217 (cited by Labcorp Genetics (formerly Invitae), Labcorp); PubMed 27108999 (cited by Labcorp Genetics (formerly Invitae), Labcorp).

NM_003922.4(HERC1):c.6586C>T (p.Arg2196Ter)

Gene: HERC1 (HECT and RLD domain containing E3 ubiquitin protein ligase family member 1; minus strand). Cytogenetic location: 15q22.31.
Variant type: single nucleotide variant.
Coding change: c.6586C>T on transcript NM_003922.4 (MANE Select); coding-DNA position 6586, C replaced by T.
Protein change: p.Arg2196Ter; replaces arginine 2196 with a stop codon.
Molecular consequence: nonsense.
Genome position (GRCh38, 1-based): chr15:63,678,329, G>A on the plus strand (C>T on the coding strand, the complement: HERC1 is on the minus strand). VCF-style: chr15-63678329-G-A. GRCh37 (hg19) VCF-style: chr15-63970528-G-A.
Other names: short protein forms R2196*.
Identifiers: ClinVar variation 992326 (VCV000992326.9), dbSNP rs774206954, ClinGen allele CA7605301.